The following is an entry in ClinVar:

NM_004423.4(DVL3):c.1645C>T (p.Pro549Ser)

Gene: DVL3 (dishevelled segment polarity protein 3; plus strand). Cytogenetic location: 3q27.1.
Variant type: single nucleotide variant.
Coding change: c.1645C>T on transcript NM_004423.4 (MANE Select); coding-DNA position 1645, C replaced by T.
Protein change: p.Pro549Ser; replaces proline 549 with serine.
Molecular consequence: missense variant.
Genome position (GRCh38, 1-based): chr3:184,170,152, C>T. VCF-style: chr3-184170152-C-T. GRCh37 (hg19) VCF-style: chr3-183887940-C-T.
Other names: c.1645C>T (NM_004423.3); short protein forms P549S.
Identifiers: ClinVar variation 2182048 (VCV002182048.7), dbSNP rs180815441, ClinGen allele CA2727479.

ClinVar aggregate classification (germline): Uncertain significance. Review status: criteria provided, multiple submitters, no conflicts (2 of 4 stars). 2 submissions from 2 submitters: Uncertain significance (2). Last evaluated 2025-04-25.

Conditions:
Inborn genetic diseases. Identifiers: MedGen C0950123, MeSH D030342.

Allele frequency attached by ClinVar (database versions not stated): ExAC 0.00001; TOPMed 0.00003; gnomAD 0.00007; gnomAD exomes 0.00010; 1000 Genomes Project 30x 0.00016; 1000 Genomes Project 0.00020.
gnomAD v4.1: 147 of 1,613,682 alleles (0.0091%); highest among the groups gnomAD compares: Non-Finnish European, 0.012%; no homozygotes.

Submissions (2):

Ambry Genetics
Classification: Uncertain significance for Inborn genetic diseases. Last evaluated: 2025-04-25. Review status: criteria provided, single submitter. Criteria: Ambry Variant Classification Scheme 2023. Collection method: clinical testing. Allele origin: germline.

Labcorp Genetics (formerly Invitae), Labcorp
Classification: Uncertain significance. Last evaluated: 2024-07-24. Review status: criteria provided, single submitter. Criteria: Invitae Variant Classification Sherloc (09022015). Collection method: clinical testing. Allele origin: germline.
Comment: This sequence change replaces proline, which is neutral and non-polar, with serine, which is neutral and polar, at codon 549 of the DVL3 protein (p.Pro549Ser). This variant is present in population databases (rs180815441, gnomAD 0.006%). This variant has not been reported in the literature in individuals affected with DVL3-related conditions. ClinVar contains an entry for this variant (Variation ID: 2182048). Advanced modeling of protein sequence and biophysical properties (such as structural, functional, and spatial information, amino acid conservation, physicochemical variation, residue mobility, and thermodynamic stability) performed at Invitae indicates that this missense variant is not expected to disrupt DVL3 protein function with a negative predictive value of 80%. In summary, the available evidence is currently insufficient to determine the role of this variant in disease. Therefore, it has been classified as a Variant of Uncertain Significance.